The following is an entry in ClinVar:

NM_014915.3(ANKRD26):c.472G>T (p.Asp158Tyr)

Gene: ANKRD26 (ankyrin repeat domain 26; minus strand). Cytogenetic location: 10p12.1.
Variant type: single nucleotide variant.
Coding change: c.472G>T on transcript NM_014915.3 (MANE Select); coding-DNA position 472, G replaced by T.
Protein change: p.Asp158Tyr; replaces aspartic acid 158 with tyrosine.
Molecular consequence: missense variant.
Genome position (GRCh38, 1-based): chr10:27,093,408, C>A on the plus strand (G>T on the coding strand, the complement: ANKRD26 is on the minus strand). VCF-style: chr10-27093408-C-A. GRCh37 (hg19) VCF-style: chr10-27382337-C-A.
Other names: c.472G>T, p.Asp158Tyr (NM_001256053.2); short protein forms D158Y.
Identifiers: ClinVar variation 4580328 (VCV004580328.1).
Genomic context (GRCh38, chr10:27,093,408, plus strand): 5'-CCTTGTTTTTTGCTTCAATATTTGCATCATACAAAAGCAGCTTTGTTGCTACTGATATGT[C>A]CTCATTATAGACAGCATAGTGAAGAGCAGTGTTGCCATGGACATCCGCAAGATTTGGATC-3'
Protein context (NP_055730.2, residues 148-168): TALHYAVYNE[Asp158Tyr]ISVATKLLLY

ClinVar aggregate classification (germline): Uncertain significance (1 of 4 stars; one submission).

Conditions:
Inborn genetic diseases. Identifiers: MedGen C0950123, MeSH D030342.

Submission:

Ambry Genetics
Classification: Uncertain significance for Inborn genetic diseases. Last evaluated: 2025-12-04. Review status: criteria provided, single submitter. Criteria: Ambry Variant Classification Scheme 2023. Collection method: clinical testing. Allele origin: germline.
Comment: The p.D158Y variant (also known as c.472G>T), located in coding exon 3 of the ANKRD26 gene, results from a G to T substitution at nucleotide position 472. The aspartic acid at codon 158 is replaced by tyrosine, an amino acid with highly dissimilar properties. This amino acid position is conserved. In addition, this alteration is predicted to be tolerated by in silico analysis. Based on the available evidence, the clinical significance of this variant remains unclear.